The following is an entry in ClinVar:

ClinVar aggregate classification (germline): Conflicting classifications of pathogenicity. Review status: criteria provided, conflicting classifications (1 of 4 stars). 4 submissions from 4 submitters: Likely pathogenic (2); Uncertain significance (1). 1 of the submissions does not count toward it. Last evaluated 2024-04-23.

Conditions:
Hb SS disease (SCD). Also called: Hemoglobin SS; Sickle cell anemia; Sickle cell disease; HbS disease; Hemoglobin S Disease; Sickling disorder due to hemoglobin S. Identifiers: Orphanet 232, Orphanet 275752, MedGen C0002895, MONDO:0011382, OMIM 603903.
Heinz body anemia. Also called: Heinz body hemolytic anemia. Identifiers: Orphanet 178330, MedGen C0700299, MONDO:0007705, OMIM 140700, HP:0005511.
Dominant beta-thalassemia. Also called: Beta-thalassemia, dominant inclusion body type. Identifiers: Orphanet 231226, Orphanet 848, MedGen C1858990, MONDO:0011381, OMIM 603902.
Beta-thalassemia HBB/LCRB. Identifiers: MedGen CN322236, MONDO:0013517, OMIM 613985.
Erythrocytosis, familial, 6. Also called: POLYCYTHEMIA, BETA-GLOBIN TYPE; ERYTHROCYTOSIS, BETA-GLOBIN TYPE. Identifiers: MedGen C4693822, MONDO:0054801, OMIM 617980.
METHEMOGLOBINEMIA, BETA TYPE. Also called: Methemoglobinemia, beta-globin type. Identifiers: MedGen C1840779, OMIM 617971.
Malaria, susceptibility to. Identifiers: Orphanet 673, MedGen C1970028, MONDO:0021024, OMIM 611162.
Hereditary persistence of fetal hemoglobin. Identifiers: MedGen C0019025, MONDO:0020989, OMIM 141749.
Hemoglobinopathy. Also called: Haemoglobinopathies; Hemoglobin disorder. Identifiers: MedGen C0019045, MONDO:0044348.

Submissions (4):

Fulgent Genetics
Classification: Likely pathogenic for Heinz body anemia; Hereditary persistence of fetal hemoglobin; Dominant beta-thalassemia; Hb SS disease; Malaria, susceptibility to; Beta-thalassemia HBB/LCRB; METHEMOGLOBINEMIA, BETA TYPE; Erythrocytosis, familial, 6. Last evaluated: 2024-04-23. Review status: criteria provided, single submitter. Criteria: ACMG Guidelines, 2015. Collection method: clinical testing. Allele origin: germline.

Women's Health and Genetics/Laboratory Corporation of America, LabCorp
Classification: Uncertain significance. Last evaluated: 2024-04-16. Review status: criteria provided, single submitter. Criteria: LabCorp Variant Classification Summary - May 2015. Collection method: clinical testing. Allele origin: germline.
Comment: Variant summary: HBB c.199A>G (p.Lys67Glu) results in a conservative amino acid change located in the Globin domain (IPR000971) of the encoded protein sequence. Four of five in-silico tools predict a damaging effect of the variant on protein function. The variant was absent in 251432 control chromosomes. c.199A>G has been reported in the literature as a heterozygous genotype in settings of mild chronic hemolytic anemia with unstable hemoglobin and increased methemoglobin levels (cited in Xu_2022, Rosa_1969), and low oxygen saturations (Xu_2022). It has also been reported as a compound heterozygous genotype with HbS in at-least one individual with joint pain and hemolytic anemia (Tejuca_1987) and in settings of a co-existing diagnosis of alpha thallasemia (example, Hendy_1994, Pullon_2016). These data indicate that the variant may be associated with disease. The following publications have been ascertained in the context of this evaluation (PMID: 7928379, 5791730, 3583764, NO_PMID for Pullon_2016). ClinVar contains an entry for this variant (Variation ID: 15206). Based on the evidence outlined above, the variant was classified as VUS-possibly pathogenic.

Quest Diagnostics Nichols Institute San Juan Capistrano
Classification: Likely pathogenic. Last evaluated: 2022-09-18. Review status: criteria provided, single submitter. Criteria: Quest Diagnostics criteria. Collection method: clinical testing. Allele origin: unknown.
Comment: It has not been reported in large, multi-ethnic general populations. In the published literature, individuals heterozygous for this variant present with chronic mild hemolytic anemia (PMID: 35898763 (2022), 7928379 (1994), 3583764 (1987), 5791730 (1969)). In a functional study, this variant exhibited minor alterations in function in an assay that evaluated oxidation and reduction rates (PMID: 7407240 (1980)). Analysis of this variant using bioinformatics tools for the prediction of the effect of amino acid changes on protein structure and function yielded predictions that this variant is damaging. Based on the available information, this variant is classified as likely pathogenic.

OMIM
Classification: Pathogenic for HEMOGLOBIN I (TOULOUSE). Last evaluated: 1971-04-27. Review status: no assertion criteria provided. Collection method: literature only. Allele origin: germline. Not counted in ClinVar's aggregate classification.

Literature cited by the submitters: PubMed 7928379 (cited by Women's Health and Genetics/Laboratory Corporation of America, LabCorp and Quest Diagnostics Nichols Institute San Juan Capistrano); PubMed 5791730 (cited by 3 submitters); PubMed 3583764 (cited by Women's Health and Genetics/Laboratory Corporation of America, LabCorp and Quest Diagnostics Nichols Institute San Juan Capistrano); PubMed 35898763 (cited by Women's Health and Genetics/Laboratory Corporation of America, LabCorp and Quest Diagnostics Nichols Institute San Juan Capistrano); PubMed 7407240 (cited by Quest Diagnostics Nichols Institute San Juan Capistrano); PubMed 19429541 (cited by Quest Diagnostics Nichols Institute San Juan Capistrano); PubMed 5577462 (cited by OMIM).

NM_000518.5(HBB):c.199A>G (p.Lys67Glu)

Genes: HBB (hemoglobin subunit beta; minus strand), LOC106099062 (HBB recombination region; plus strand), LOC107133510 (origin of replication at HBB; plus strand). Cytogenetic location: 11p15.4.
Variant type: single nucleotide variant.
Coding change: c.199A>G on transcript NM_000518.5 (MANE Select); coding-DNA position 199, A replaced by G.
Protein change: p.Lys67Glu; replaces lysine 67 with glutamic acid.
Molecular consequence: missense variant.
Genome position (GRCh38, 1-based): chr11:5,226,693, T>C on the plus strand (A>G on the coding strand, the complement: HBB is on the minus strand). VCF-style: chr11-5226693-T-C. GRCh37 (hg19) VCF-style: chr11-5247923-T-C.
Other names: K66E; Hb I-Toulouse; short protein forms K67E.
Identifiers: ClinVar variation 15206 (VCV000015206.7), dbSNP rs34165323, ClinGen allele CA124922.